The following is an entry in ClinVar:

ClinVar aggregate classification (germline): Uncertain significance (1 of 4 stars; one submission).

Allele frequency attached by ClinVar (database versions not stated): gnomAD exomes 0.00001.
gnomAD v4.1: 3 of 1,612,588 alleles (0.00019%); highest among the groups gnomAD compares: Non-Finnish European, 0.00025%; no homozygotes.

Submission:

GeneDx
Classification: Uncertain significance. Last evaluated: 2023-04-18. Review status: criteria provided, single submitter. Criteria: GeneDx Variant Classification Process June 2021. Collection method: clinical testing. Allele origin: germline. Affected: yes.
Comment: Has not been previously published as pathogenic or benign to our knowledge; Not observed at significant frequency in large population cohorts (gnomAD); In silico analysis supports that this missense variant has a deleterious effect on protein structure/function

NM_006258.4(PRKG1):c.1190A>G (p.Glu397Gly)

Gene: PRKG1 (protein kinase cGMP-dependent 1; plus strand). Cytogenetic location: 10q21.1.
Variant type: single nucleotide variant.
Coding change: c.1190A>G on transcript NM_006258.4 (MANE Select); coding-DNA position 1190, A replaced by G.
Protein change: p.Glu397Gly; replaces glutamic acid 397 with glycine.
Molecular consequence: missense variant. On other transcripts: 5 prime UTR variant (1).
Genome position (GRCh38, 1-based): chr10:52,271,366, A>G. VCF-style: chr10-52271366-A-G. GRCh37 (hg19) VCF-style: chr10-54031126-A-G.
Other names: c.1145A>G, p.Glu382Gly (NM_001098512.3); c.-20A>G (NM_001374781.1); short protein forms E382G, E397G.
Identifiers: ClinVar variation 2663009 (VCV002663009.1), dbSNP rs1457747745, ClinGen allele CA376535195.